The following is an entry in ClinVar:

ClinVar aggregate classification (germline): Pathogenic/Likely pathogenic. Review status: criteria provided, multiple submitters, no conflicts (2 of 4 stars). 2 submissions from 2 submitters: Pathogenic (1); Likely pathogenic (1). Last evaluated 2025-05-08.

Conditions:
Neuronal ceroid lipofuscinosis 1 (CLN1). Also called: PPT1-Related Neuronal Ceroid-Lipofuscinosis; CEROID LIPOFUSCINOSIS, NEURONAL, 1, VARIABLE AGE AT ONSET. Identifiers: Orphanet 228329, MedGen C1850451, MONDO:0009744, OMIM 256730.

Allele frequency attached by ClinVar (database versions not stated): gnomAD exomes below 0.00001; ExAC 0.00001.

Submissions (2):

Natera, Inc.
Classification: Likely pathogenic for Neuronal ceroid lipofuscinosis 1. Last evaluated: 2025-05-08. Review status: criteria provided, single submitter. Criteria: Natera Variant Classification Schema (03/2026). Collection method: clinical testing. Allele origin: germline.
Comment: The c.30_42dup variant in PPT1 is a frameshift variant predicted to shift the reading frame beginning at codon 15 and leads to a stop codon 45 codons downstream. This variant is expected to result in nonsense mediated decay, truncation, or a dysfunctional protein product. This variant is rare in the general population with a frequency below the threshold expected for the associated phenotype(s). Given the available evidence, this variant is classified as Likely Pathogenic.

Labcorp Genetics (formerly Invitae), Labcorp
Classification: Pathogenic for Neuronal ceroid lipofuscinosis 1. Last evaluated: 2022-10-30. Review status: criteria provided, single submitter. Criteria: Invitae Variant Classification Sherloc (09022015). Collection method: clinical testing. Allele origin: germline.
Comment: For these reasons, this variant has been classified as Pathogenic. This sequence change creates a premature translational stop signal (p.Leu15Glyfs*45) in the PPT1 gene. It is expected to result in an absent or disrupted protein product. Loss-of-function variants in PPT1 are known to be pathogenic (PMID: 10679943, 21990111). This variant is present in population databases (rs776995551, gnomAD 0.0009%). This variant has not been reported in the literature in individuals affected with PPT1-related conditions.

Literature cited by the submitters: PubMed 10679943 (cited by Labcorp Genetics (formerly Invitae), Labcorp); PubMed 21990111 (cited by Labcorp Genetics (formerly Invitae), Labcorp).

NM_000310.4(PPT1):c.30_42dup (p.Leu15fs)

Gene: PPT1 (palmitoyl-protein thioesterase 1; minus strand). Cytogenetic location: 1p34.2.
Variant type: Duplication.
Coding change: c.30_42dup on transcript NM_000310.4 (MANE Select); coding-DNA positions 30 to 42, 13 bases duplicated (GGCTGTGGCTCTC).
Protein change: p.Leu15fs; shifts the reading frame from leucine 15.
Molecular consequence: frameshift variant.
Genome position (GRCh38, 1-based): chr1:40,097,197-40,097,209, GAGAGCCACAGCC duplicated on the plus strand (GGCTGTGGCTCTC on the coding strand, the reverse complement: PPT1 is on the minus strand). VCF-style (leftmost placement, unchanged base first): chr1-40097196-G-GGAGAGCCACAGCC. GRCh37 (hg19) VCF-style: chr1-40562868-G-GGAGAGCCACAGCC.
Other names: c.30_42dup, p.Leu15fs (NM_001142604.2, NM_001363695.2); short protein forms L15fs.
Identifiers: ClinVar variation 2899068 (VCV002899068.5), dbSNP rs776995551, ClinGen allele CA789851.
Genomic context (GRCh38, chr1:40,097,196, plus strand): 5'-ACGGCAGCGGCGCCGGCGGGTCCAGATGCTGCAGCGCCCGAGAAGCGCAGGTCCATGGCA[G>GGAGAGCCACAGCC]GAGAGCCACAGCCAAGAGCCACAGGCAGCCGGGCGACGCCATCTTCGCTGTGTCACATGA-3'